The following is an entry in ClinVar:

ClinVar aggregate classification (germline): Uncertain significance (1 of 4 stars; one submission).

Conditions:
Autosomal dominant nocturnal frontal lobe epilepsy 5. Also called: CILIARY DYSKINESIA, PRIMARY, 28, WITH SITUS INVERSUS; KCNT1-Related Epilepsy; CILIARY DYSKINESIA, PRIMARY, 28, WITHOUT SITUS INVERSUS; Epilepsy, nocturnal frontal lobe, 5. Identifiers: Orphanet 98784, MedGen C3554306, MONDO:0014002, OMIM 615005.
Developmental and epileptic encephalopathy, 14 (DEE14). Also called: Early infantile epileptic encephalopathy 14. Identifiers: Orphanet 293181, MedGen C3554195, MONDO:0013989, OMIM 614959.

Submission:

Labcorp Genetics (formerly Invitae), Labcorp
Classification: Uncertain significance for Autosomal dominant nocturnal frontal lobe epilepsy 5; Developmental and epileptic encephalopathy, 14. Last evaluated: 2022-11-01. Review status: criteria provided, single submitter. Criteria: Invitae Variant Classification Sherloc (09022015). Collection method: clinical testing. Allele origin: germline.
Comment: In summary, the available evidence is currently insufficient to determine the role of this variant in disease. Therefore, it has been classified as a Variant of Uncertain Significance. Advanced modeling of protein sequence and biophysical properties (such as structural, functional, and spatial information, amino acid conservation, physicochemical variation, residue mobility, and thermodynamic stability) performed at Invitae indicates that this missense variant is not expected to disrupt KCNT1 protein function. ClinVar contains an entry for this variant (Variation ID: 1364897). This variant has not been reported in the literature in individuals affected with KCNT1-related conditions. This variant is not present in population databases (gnomAD no frequency). This sequence change replaces isoleucine, which is neutral and non-polar, with phenylalanine, which is neutral and non-polar, at codon 1133 of the KCNT1 protein (p.Ile1133Phe).

NM_020822.3(KCNT1):c.3397A>T (p.Ile1133Phe)

Gene: KCNT1 (potassium sodium-activated channel subfamily T member 1; plus strand). Cytogenetic location: 9q34.3.
Variant type: single nucleotide variant.
Coding change: c.3397A>T on transcript NM_020822.3 (MANE Select); coding-DNA position 3397, A replaced by T.
Protein change: p.Ile1133Phe; replaces isoleucine 1133 with phenylalanine.
Molecular consequence: missense variant.
Genome position (GRCh38, 1-based): chr9:135,786,416, A>T. VCF-style: chr9-135786416-A-T. GRCh37 (hg19) VCF-style: chr9-138678262-A-T.
Other names: c.3262A>T, p.Ile1088Phe (NM_001272003.2); short protein forms I1088F, I1133F.
Identifiers: ClinVar variation 1364897 (VCV001364897.6), dbSNP rs1408375707, ClinGen allele CA375491991.